The following is an entry in ClinVar:

ClinVar aggregate classification (germline): Likely benign. Review status: criteria provided, multiple submitters, no conflicts (2 of 4 stars). 2 submissions from 2 submitters: Likely benign (2). Last evaluated 2025-11-12.

Conditions:
Developmental and epileptic encephalopathy, 25 (DEE25). Also called: Developmental and epileptic encephalopathy 25, with amelogenesis imperfecta; Epileptic encephalopathy, early infantile, 25, with amelogenesis imperfecta; Epileptic encephalopathy, early infantile, 25. Identifiers: Orphanet 442835, MedGen C4014621, MONDO:0014392, OMIM 615905.

Allele frequency attached by ClinVar (database versions not stated): gnomAD exomes 0.00004 and 0.00005; ExAC 0.00007; gnomAD 0.00008; TOPMed 0.00008; 1000 Genomes Project 0.00020; 1000 Genomes Project 30x 0.00031.
gnomAD v4.1: 75 of 1,614,224 alleles (0.0046%); highest among the groups gnomAD compares: African/African-American, 0.025%; no homozygotes.

Submissions (2):

Labcorp Genetics (formerly Invitae), Labcorp
Classification: Likely benign for Developmental and epileptic encephalopathy, 25. Last evaluated: 2025-11-12. Review status: criteria provided, single submitter. Criteria: Invitae Variant Classification Sherloc (09022015). Collection method: clinical testing. Allele origin: germline.

GeneDx
Classification: Likely benign. Last evaluated: 2016-01-26. Review status: criteria provided, single submitter. Criteria: GeneDx Variant Classification (06012015). Collection method: clinical testing. Allele origin: germline. Affected: yes.
Comment: This variant is considered likely benign or benign based on one or more of the following criteria: it is a conservative change, it occurs at a poorly conserved position in the protein, it is predicted to be benign by multiple in silico algorithms, and/or has population frequency not consistent with disease.

NM_177550.5(SLC13A5):c.1365C>T (p.Leu455=)

Gene: SLC13A5 (solute carrier family 13 member 5; minus strand). Cytogenetic location: 17p13.1.
Variant type: single nucleotide variant.
Coding change: c.1365C>T on transcript NM_177550.5 (MANE Select); coding-DNA position 1365, C replaced by T.
Protein change: p.Leu455=; no amino-acid change (leucine 455 retained).
Molecular consequence: synonymous variant.
Genome position (GRCh38, 1-based): chr17:6,690,851, G>A on the plus strand (C>T on the coding strand, the complement: SLC13A5 is on the minus strand). VCF-style: chr17-6690851-G-A. GRCh37 (hg19) VCF-style: chr17-6594170-G-A.
Other names: c.1365C>T, p.Leu455= (NM_001143838.3); c.1314C>T, p.Leu438= (NM_001284509.2); c.1236C>T, p.Leu412= (NM_001284510.2).
Identifiers: ClinVar variation 383133 (VCV000383133.10), dbSNP rs572994797, ClinGen allele CA8331406.